The following is an entry in ClinVar:

NM_001037.5(SCN1B):c.448+210C>T

Gene: SCN1B (sodium voltage-gated channel beta subunit 1; plus strand). Cytogenetic location: 19q13.11.
Variant type: single nucleotide variant.
Coding change: c.448+210C>T on transcript NM_001037.5 (MANE Select); 210 bases into the intron after coding-DNA position 448, C replaced by T.
Molecular consequence: intron variant. On other transcripts: missense variant (1).
Genome position (GRCh38, 1-based): chr19:35,033,949, C>T. VCF-style: chr19-35033949-C-T. GRCh37 (hg19) VCF-style: chr19-35524853-C-T.
Other names: c.658C>T, p.Pro220Ser (NM_199037.5); c.349+210C>T (NM_001321605.2); short protein forms P220S.
Identifiers: ClinVar variation 2758106 (VCV002758106.3), dbSNP rs986280203, ClinGen allele CA307703781.

ClinVar aggregate classification (germline): Uncertain significance (1 of 4 stars; one submission).

Conditions:
Brugada syndrome 5 (BRGDA5). Identifiers: Orphanet 130, Orphanet 871, MedGen C2748541, MONDO:0013015, OMIM 612838.

Allele frequency attached by ClinVar (database versions not stated): TOPMed below 0.00001; gnomAD 0.00001.

Submission:

Labcorp Genetics (formerly Invitae), Labcorp
Classification: Uncertain significance for Brugada syndrome 5. Last evaluated: 2023-09-05. Review status: criteria provided, single submitter. Criteria: Invitae Variant Classification Sherloc (09022015). Collection method: clinical testing. Allele origin: germline.
Comment: This sequence change replaces proline, which is neutral and non-polar, with serine, which is neutral and polar, at codon 220 of the SCN1B protein (p.Pro220Ser). In summary, the available evidence is currently insufficient to determine the role of this variant in disease. Therefore, it has been classified as a Variant of Uncertain Significance. Algorithms developed to predict the effect of missense changes on protein structure and function output the following: SIFT: "Not Available"; PolyPhen-2: "Benign"; Align-GVGD: "Not Available". The serine amino acid residue is found in multiple mammalian species, which suggests that this missense change does not adversely affect protein function. This variant has not been reported in the literature in individuals affected with SCN1B-related conditions. This variant is not present in population databases (gnomAD no frequency).